The following is an entry in ClinVar:

NM_000169.3(GLA):c.761T>C (p.Val254Ala)

Genes: GLA (galactosidase alpha; minus strand), RPL36A-HNRNPH2 (RPL36A-HNRNPH2 readthrough; plus strand). Cytogenetic location: Xq22.1.
Variant type: single nucleotide variant.
Coding change: c.761T>C on transcript NM_000169.3 (MANE Select); coding-DNA position 761, T replaced by C.
Protein change: p.Val254Ala; replaces valine 254 with alanine.
Molecular consequence: missense variant. On other transcripts: non-coding transcript variant (3), intron variant (2).
Genome position (GRCh38, 1-based): chrX:101,398,825, A>G on the plus strand (T>C on the coding strand, the complement: GLA is on the minus strand). VCF-style: chrX-101398825-A-G. GRCh37 (hg19) VCF-style: chrX-100653813-A-G.
Other names: c.884T>C, p.Val295Ala (NM_001406747.1); c.761T>C, p.Val254Ala (NM_001406748.1); c.300+3368A>G (NM_001199973.2); c.177+7003A>G (NM_001199974.2); short protein forms V254A, V295A.
Identifiers: ClinVar variation 217397 (VCV000217397.4), dbSNP rs869312153, ClinGen allele CA353130.

ClinVar aggregate classification (germline): Uncertain significance. Review status: criteria provided, single submitter (1 of 4 stars). 4 submissions from 3 submitters: Uncertain significance (1). 3 of the submissions do not count toward it. Last evaluated 2026-09-08.

Conditions:
Fabry disease. Also called: ALPHA-GALACTOSIDASE A DEFICIENCY; ANDERSON-FABRY DISEASE; CERAMIDE TRIHEXOSIDASE DEFICIENCY; Fabry's disease; Angiokeratoma corporis diffusum; Ceramide trihexosidosis. Identifiers: Orphanet 324, MedGen C0002986, MONDO:0010526, OMIM 301500, HP:0001071. Disease mechanism: loss of function, Fabry disease is due to inactivating mutations in the X-linked GLA gene resulting in deficiency of the enzyme Alpha Galactosidase-A..
Migalastat response. Also called: 1-Deoxygalactonojirimycin response; Galafold response. Identifiers: MedGen CN233149.

Submissions (4):

Genomenon, Inc
Classification: Uncertain significance for Fabry disease. Last evaluated: 2026-09-08. Review status: criteria provided, single submitter. Criteria: Genomenon Sequence Variant Interpretation Standards - Updated. Collection method: curation. Allele origin: germline. Affected: yes.
Comment: GLA p.Val254Ala (c.761T>C) is a missense variant that changes the amino acid at codon 254 from Valine to Alanine. This variant has been observed in at least one proband with clinical features consistent with Fabry disease (PMID:26415523). Functional or patient cell studies have been reported (PMID:26415523). It is absent or not present at a significant frequency in gnomAD. In silico models predict that this variant is possibly or probably damaging. In conclusion, we classify GLA p.Val254Ala (c.761T>C) as a variant of uncertain significance.

Nephrology Department, Antalya Training and Research Hospital
Classification: Likely pathogenic for Fabry disease. Last evaluated: 2025-08-07. Review status: no assertion criteria provided. Collection method: clinical testing. Allele origin: germline. Inheritance: X-linked inheritance. Affected: yes. Clinical features observed: Axial hypotonia (HP:0002320), Abnormal cerebral white matter morphology (HP:0002500), Hypertrophic cardiomyopathy (HP:0001639), Peripheral neuropathy (HP:0009830). Not counted in ClinVar's aggregate classification.
Comment: The GLA c.761T>C (p.Val254Ala) variant is a rare missense substitution located in exon 5 of the GLA gene. It replaces a highly conserved valine residue with alanine in a functionally important region of the α-galactosidase A enzyme. This variant has been reported only once previously in the literature as likely pathogenic, without detailed phenotypic description. In our cohort, it was identified in 19 related individuals, three of whom exhibited neurological manifestations such as recurrent stroke, sensory neuropathy, and characteristic white matter lesions on brain MRI, consistent with Fabry disease. Mild cardiac hypertrophy was observed in several carriers, while renal function remained preserved. The variant is absent from population databases (gnomAD, ExAC) and predicted to be deleterious by multiple in silico tools (PolyPhen-2, SIFT, CADD). Segregation analysis within the family supports association with disease, as all symptomatic individuals harbored the variant, and no unaffected males were positive. Although functional studies are lacking, the clinical phenotype, conservation of the residue, absence from controls, and segregation data collectively support a classification of “likely pathogenic” according to ACMG/AMP criteria (PM1, PM2, PP1, PP3). In summary, the c.761T>C (p.Val254Ala) variant appears to define a neurologically predominant form of Fabry disease with late-onset cerebrovascular involvement and minimal renal findings. Further accumulation of functional and international case data will be essential for definitive pathogenic confirmation

Albrecht-Kossel-Institute, Medical University Rostock
Classification: Likely pathogenic for Fabry's disease. Last evaluated: 2014-01-01. Review status: no assertion criteria provided. Collection method: research. Allele origin: inherited. Not counted in ClinVar's aggregate classification.

Albrecht-Kossel-Institute, Medical University Rostock
Classification: drug response for deoxygalactonojirimycin response. Last evaluated: 2014-01-01. Review status: no assertion criteria provided. Collection method: research. Allele origin: inherited. Not counted in ClinVar's aggregate classification.

Literature cited by the submitters: PubMed 26415523 (cited by 3 submitters).